The following is an entry in ClinVar:

NM_000057.4(BLM):c.1517C>A (p.Ala506Asp)

Gene: BLM (BLM RecQ like helicase; plus strand). Cytogenetic location: 15q26.1.
Variant type: single nucleotide variant.
Coding change: c.1517C>A on transcript NM_000057.4 (MANE Select); coding-DNA position 1517, C replaced by A.
Protein change: p.Ala506Asp; replaces alanine 506 with aspartic acid.
Molecular consequence: missense variant.
Genome position (GRCh38, 1-based): chr15:90,760,890, C>A. VCF-style: chr15-90760890-C-A. GRCh37 (hg19) VCF-style: chr15-91304120-C-A.
Other names: c.1517C>A, p.Ala506Asp (NM_001287246.2, NM_001287247.2); c.392C>A, p.Ala131Asp (NM_001287248.2); short protein forms A131D, A506D.
Identifiers: ClinVar variation 3991651 (VCV003991651.1).

ClinVar aggregate classification (germline): Uncertain significance (1 of 4 stars; one submission).

Conditions:
Hereditary cancer-predisposing syndrome. Also called: Tumor predisposition; Hereditary neoplastic syndrome; Neoplastic Syndromes, Hereditary; Hereditary Cancer Syndrome. Identifiers: Orphanet 140162, MedGen C0027672, MeSH D009386, MONDO:0015356.

Submission:

Ambry Genetics
Classification: Uncertain significance for Hereditary cancer-predisposing syndrome. Last evaluated: 2025-04-19. Review status: criteria provided, single submitter. Criteria: Ambry Variant Classification Scheme 2023. Collection method: clinical testing. Allele origin: germline.
Comment: The p.A506D variant (also known as c.1517C>A), located in coding exon 6 of the BLM gene, results from a C to A substitution at nucleotide position 1517. The alanine at codon 506 is replaced by aspartic acid, an amino acid with dissimilar properties. This amino acid position is conserved. In addition, this alteration is predicted to be tolerated by in silico analysis. Based on the available evidence, the clinical significance of this variant remains unclear.